The following is an entry in ClinVar:

NM_000545.8(HNF1A):c.1396C>T (p.Gln466Ter)

Gene: HNF1A (HNF1 homeobox A; plus strand). Cytogenetic location: 12q24.31.
Variant type: single nucleotide variant.
Coding change: c.1396C>T on transcript NM_000545.8 (MANE Select); coding-DNA position 1396, C replaced by T.
Protein change: p.Gln466Ter; replaces glutamine 466 with a stop codon.
Molecular consequence: nonsense.
Genome position (GRCh38, 1-based): chr12:120,997,560, C>T. VCF-style: chr12-120997560-C-T. GRCh37 (hg19) VCF-style: chr12-121435363-C-T.
Other names: c.1396C>T, p.Gln466Ter (NM_001306179.2); short protein forms Q466*.
Identifiers: ClinVar variation 972766 (VCV000972766.11), dbSNP rs1877175078, ClinGen allele CA386970157.

ClinVar aggregate classification (germline): Pathogenic. Review status: criteria provided, multiple submitters, no conflicts (2 of 4 stars). 4 submissions from 4 submitters: Pathogenic (4). Last evaluated 2022-08-02.

Conditions:
Maturity-onset diabetes of the young (MODY). Also called: Maturity onset diabetes mellitus in young. Identifiers: Orphanet 552, MedGen C0342276, MONDO:0018911, HP:0004904.
Maturity-onset diabetes of the young type 3. Also called: MODY type 3; MODY, type III. Identifiers: Orphanet 552, MedGen C1838100, MeSH C563933, MONDO:0010894, OMIM 600496. Disease mechanism: loss of function.

Allele frequency attached by ClinVar (database versions not stated): gnomAD exomes below 0.00001.
gnomAD v4.1: 2 of 1,613,650 alleles (0.00012%); highest among the groups gnomAD compares: Non-Finnish European, 0.00017%; no homozygotes.

Submissions (4):

Geisinger Clinic, Geisinger Health System
Classification: Pathogenic for Maturity-onset diabetes of the young type 3. Last evaluated: 2022-08-02. Review status: criteria provided, single submitter. Criteria: ACMG Guidelines, 2015. Collection method: research. Allele origin: germline. Inheritance: Autosomal dominant inheritance. Affected: yes. Observed: 1 variant allele.
Comment: PVS1, PM2, PP1, PP4, PS3

Laboratory for Molecular Medicine, Mass General Brigham Personalized Medicine
Classification: Pathogenic for Maturity-onset diabetes of the young. Last evaluated: 2020-11-06. Review status: criteria provided, single submitter. Criteria: ACMG Guidelines, 2015. Collection method: clinical testing. Allele origin: germline.
Comment: The p.Gln466Ter variant in HNF1A has been reported in an individual with maturity-onset diabetes of the young (MODY; Bjørkhaug 2000 PMID: 11162430) and was absent from large population studies. This nonsense variant leads to a premature termination codon at position 466, which is predicted to lead to a truncated or absent protein. Heterozygous loss of function of the HNF1A gene is an established disease mechanism in MODY. In vitro functional studies provide some evidence that this variant may impact protein function (Bjørkhaug 2000 PMID: 11162430, 27899486). In summary, this variant meets criteria to be classified as pathogenic for autosomal dominant MODY. ACMG/AMP Criteria applied: PVS1, PM2, PS3_Supporting.

Broad Center for Mendelian Genomics, Broad Institute of MIT and Harvard
Classification: Pathogenic for Maturity-onset diabetes of the young type 3. Last evaluated: 2020-01-22. Review status: criteria provided, single submitter. Criteria: ACMG Guidelines, 2015. Collection method: curation. Allele origin: germline. Inheritance: Autosomal recessive inheritance.
Comment: The p.Gln466Ter variant in HNF1A has been reported in an individual with maturity-onset diabetes of the young (PMID: 11162430), and was absent from large population studies. Please note that for diseases with clinical variability, or reduced penetrance, pathogenic variants may be present at a low frequency in the general population. In vitro functional studies provide some evidence that the p.Gln466Ter variant may impact protein function (PMID: 11162430, 27899486). However, these types of assays may not accurately represent biological function. This nonsense variant leads to a premature termination codon at position 466, which is predicted to lead to a truncated or absent protein. Heterozygous loss of function of the HNF1A gene is an established disease mechanism in maturity-onset diabetes of the young. In summary, this variant meets criteria to be classified as pathogenic for maturity-onset diabetes of the young in an autosomal dominant manner based on the predicted impact of the variant and in vitro functional studies. ACMG/AMP Criteria applied: PVS1, PM2, PS3_Moderate (Richards 2015).

Clinical Genomics, Uppaluri K&H Personalized Medicine Clinic
Classification: Pathogenic for Maturity-onset diabetes of the young. Review status: criteria provided, single submitter. Criteria: K & H Uppaluri Personalized Medicine Clinic Variant Classification & Assertion Criteria_Updated V.1. Collection method: research. Allele origin: unknown. Inheritance: Autosomal dominant inheritance.
Comment: Mutations in HNF1A gene can predispose to MODY3. It is associated with both micro and macrovascular complications of diabetes, especially cardiovascular complications. Associated with glucosuria. May respond well to sulfonylureas. However, more evidence is required to confer the association of this particular variant rs1877175078 with MODY3.

Literature cited by the submitters: PubMed 36257325 (cited by Geisinger Clinic, Geisinger Health System); PubMed 11162430 (cited by Broad Center for Mendelian Genomics, Broad Institute of MIT and Harvard); PubMed 27899486 (cited by Broad Center for Mendelian Genomics, Broad Institute of MIT and Harvard); PubMed 31517624 (cited by Clinical Genomics, Uppaluri K&H Personalized Medicine Clinic); PubMed 32395877 (cited by Clinical Genomics, Uppaluri K&H Personalized Medicine Clinic); PubMed 35328643 (cited by Clinical Genomics, Uppaluri K&H Personalized Medicine Clinic); PubMed 35673428 (cited by Clinical Genomics, Uppaluri K&H Personalized Medicine Clinic).